The following is an entry in ClinVar:

NM_133642.5(LARGE1):c.542T>A (p.Ile181Asn)

Gene: LARGE1 (LARGE xylosyl- and glucuronyltransferase 1; minus strand). Cytogenetic location: 22q12.3.
Variant type: single nucleotide variant.
Coding change: c.542T>A on transcript NM_133642.5 (MANE Select); coding-DNA position 542, T replaced by A.
Protein change: p.Ile181Asn; replaces isoleucine 181 with asparagine.
Molecular consequence: missense variant.
Genome position (GRCh38, 1-based): chr22:33,604,508, A>T on the plus strand (T>A on the coding strand, the complement: LARGE1 is on the minus strand). VCF-style: chr22-33604508-A-T. GRCh37 (hg19) VCF-style: chr22-34000494-A-T.
Other names: c.542T>A, p.Ile181Asn (NM_001362949.2, NM_001362951.2, NM_001362953.2 and 7 more transcripts); short protein forms I181N.
Identifiers: ClinVar variation 998589 (VCV000998589.9), dbSNP rs2079198073, ClinGen allele CA411546783.
Genomic context (GRCh38, chr22:33,604,508, plus strand): 5'-GCATTGTAGAAGTCCACACGCACAGCGGGCACCATCCAGGTCTGGAAGAGCGTGGCCAGG[A>T]TCTGCTCCGCAATGGAGTCAGCAATAAGGTGGAAGTGCAGAGGGTTCCGTCTGTGGGGAG-3'
Protein context (NP_598397.1, residues 171-191): HLIADSIAEQ[Ile181Asn]LATLFQTWMV

ClinVar aggregate classification (germline): Uncertain significance (1 of 4 stars; one submission).

Conditions:
Muscular dystrophy-dystroglycanopathy type B6 (MDDGB6). Also called: MUSCULAR DYSTROPHY, CONGENITAL, LARGE-RELATED; MUSCULAR DYSTROPHY, CONGENITAL, TYPE 1D; MUSCULAR DYSTROPHY-DYSTROGLYCANOPATHY (CONGENITAL WITH IMPAIRED INTELLECTUAL DEVELOPMENT), TYPE B, 6. Identifiers: MedGen C1837229, MONDO:0012138, OMIM 608840.

Submission:

Labcorp Genetics (formerly Invitae), Labcorp
Classification: Uncertain significance for Muscular dystrophy-dystroglycanopathy type B6. Last evaluated: 2020-06-29. Review status: criteria provided, single submitter. Criteria: Invitae Variant Classification Sherloc (09022015). Collection method: clinical testing. Allele origin: germline.
Comment: Algorithms developed to predict the effect of missense changes on protein structure and function are either unavailable or do not agree on the potential impact of this missense change (SIFT: "Tolerated"; PolyPhen-2: "Probably Damaging"; Align-GVGD: "Class C0"). This variant has not been reported in the literature in individuals with LARGE1-related conditions. This variant is not present in population databases (ExAC no frequency). This sequence change replaces isoleucine with asparagine at codon 181 of the LARGE1 protein (p.Ile181Asn). The isoleucine residue is moderately conserved and there is a large physicochemical difference between isoleucine and asparagine. In summary, the available evidence is currently insufficient to determine the role of this variant in disease. Therefore, it has been classified as a Variant of Uncertain Significance.